The following is an entry in ClinVar:

NM_015726.4(DCAF8):c.822G>A (p.Lys274=)

Gene: DCAF8 (DDB1 and CUL4 associated factor 8; minus strand). Cytogenetic location: 1q23.2.
Variant type: single nucleotide variant.
Coding change: c.822G>A on transcript NM_015726.4 (MANE Select); coding-DNA position 822, G replaced by A.
Protein change: p.Lys274=; no amino-acid change (lysine 274 retained).
Molecular consequence: synonymous variant. On other transcripts: non-coding transcript variant (2).
Genome position (GRCh38, 1-based): chr1:160,238,649, C>T on the plus strand (G>A on the coding strand, the complement: DCAF8 is on the minus strand). VCF-style: chr1-160238649-C-T. GRCh37 (hg19) VCF-style: chr1-160208439-C-T.
Identifiers: ClinVar variation 788287 (VCV000788287.8), dbSNP rs2275702, ClinGen allele CA1196859.

ClinVar aggregate classification (germline): Benign/Likely benign. Review status: criteria provided, multiple submitters, no conflicts (2 of 4 stars). 4 submissions from 4 submitters: Benign (2); Likely benign (1). 1 of the submissions does not count toward it. Last evaluated 2022-02-14.

Conditions:
Giant axonal neuropathy 2. Also called: Giant axonal neuropathy 2, autosomal dominant. Identifiers: Orphanet 401964, MedGen C1864695, MONDO:0012411, OMIM 610100.
DCAF8-related disorder. Also called: DCAF8-related condition.

Allele frequency attached by ClinVar (database versions not stated): gnomAD exomes 0.00308 and 0.00833; ExAC 0.00892; gnomAD 0.01599 and 0.01641; ESP Exome Variant Server 0.01630; TOPMed 0.01971; 1000 Genomes Project 0.02256; 1000 Genomes Project 30x 0.02374.
gnomAD v4.1: 7,020 of 1,613,470 alleles (0.44%); highest among the groups gnomAD compares: African/African-American, 4.8%; 142 homozygotes.

Submissions (4):

Fulgent Genetics
Classification: Likely benign for Giant axonal neuropathy 2. Last evaluated: 2022-02-14. Review status: criteria provided, single submitter. Criteria: ACMG Guidelines, 2015. Collection method: clinical testing. Allele origin: unknown.

Labcorp Genetics (formerly Invitae), Labcorp
Classification: Benign. Last evaluated: 2019-12-31. Review status: criteria provided, single submitter. Criteria: Invitae Variant Classification Sherloc (09022015). Collection method: clinical testing. Allele origin: germline.

Breakthrough Genomics
Classification: Benign. Review status: criteria provided, single submitter. Criteria: ACMG Guidelines, 2015. Collection method: not provided. Allele origin: germline. Inheritance: Autosomal dominant inheritance. Affected: yes.

PreventionGenetics, part of Exact Sciences
Classification: Benign for DCAF8-related condition. Last evaluated: 2019-03-12. Review status: no assertion criteria provided. Collection method: clinical testing. Allele origin: germline. Not counted in ClinVar's aggregate classification.
Comment: This variant is classified as benign based on ACMG/AMP sequence variant interpretation guidelines (Richards et al. 2015 PMID: 25741868, with internal and published modifications).